The following is an entry in ClinVar:

ClinVar aggregate classification (germline): Uncertain significance (1 of 4 stars; one submission).

Allele frequency attached by ClinVar (database versions not stated): gnomAD exomes below 0.00001; ExAC 0.00001; TOPMed 0.00001.

Submission:

GeneDx
Classification: Uncertain significance. Last evaluated: 2020-10-09. Review status: criteria provided, single submitter. Criteria: GeneDx Variant Classification Process June 2021. Collection method: clinical testing. Allele origin: germline. Affected: yes.
Comment: Not observed at a significant frequency in large population cohorts (Lek et al., 2016); In silico analysis supports that this missense variant has a deleterious effect on protein structure/function; Has not been previously published as pathogenic or benign to our knowledge

NM_001813.3(CENPE):c.1208C>A (p.Thr403Asn)

Gene: CENPE (centromere protein E; minus strand). Cytogenetic location: 4q24.
Variant type: single nucleotide variant.
Coding change: c.1208C>A on transcript NM_001813.3 (MANE Select); coding-DNA position 1208, C replaced by A.
Protein change: p.Thr403Asn; replaces threonine 403 with asparagine.
Molecular consequence: missense variant.
Genome position (GRCh38, 1-based): chr4:103,180,345, G>T on the plus strand (C>A on the coding strand, the complement: CENPE is on the minus strand). VCF-style: chr4-103180345-G-T. GRCh37 (hg19) VCF-style: chr4-104101502-G-T.
Other names: c.1208C>A, p.Thr403Asn (NM_001286734.2); short protein forms T403N.
Identifiers: ClinVar variation 1313233 (VCV001313233.2), dbSNP rs746304121, ClinGen allele CA3030574.